The following is an entry in ClinVar:

ClinVar aggregate classification (germline): Uncertain significance (1 of 4 stars; one submission).

Conditions:
Inborn genetic diseases. Identifiers: MedGen C0950123, MeSH D030342.

Allele frequency attached by ClinVar (database versions not stated): gnomAD 0.00001; TOPMed 0.00001.

Submission:

Ambry Genetics
Classification: Uncertain significance for Inborn genetic diseases. Last evaluated: 2023-12-16. Review status: criteria provided, single submitter. Criteria: Ambry Variant Classification Scheme 2023. Collection method: clinical testing. Allele origin: germline.
Comment: The p.V454M variant (also known as c.1360G>A), located in coding exon 6 of the ATR gene, results from a G to A substitution at nucleotide position 1360. The valine at codon 454 is replaced by methionine, an amino acid with highly similar properties. This amino acid position is conserved. In addition, this alteration is predicted to be tolerated by in silico analysis. Since supporting evidence is limited at this time, the clinical significance of this alteration remains unclear.

NM_001184.4(ATR):c.1360G>A (p.Val454Met)

Gene: ATR (ATR checkpoint kinase; minus strand). Cytogenetic location: 3q23.
Variant type: single nucleotide variant.
Coding change: c.1360G>A on transcript NM_001184.4 (MANE Select); coding-DNA position 1360, G replaced by A.
Protein change: p.Val454Met; replaces valine 454 with methionine.
Molecular consequence: missense variant. On other transcripts: intron variant (1).
Genome position (GRCh38, 1-based): chr3:142,560,444, C>T on the plus strand (G>A on the coding strand, the complement: ATR is on the minus strand). VCF-style: chr3-142560444-C-T. GRCh37 (hg19) VCF-style: chr3-142279286-C-T.
Other names: c.1349+799G>A (NM_001354579.2); short protein forms V454M.
Identifiers: ClinVar variation 3221048 (VCV003221048.1), dbSNP rs1289739042, ClinGen allele CA354823074.